The following is an entry in ClinVar:

NM_003072.5(SMARCA4):c.591C>T (p.Pro197=)

Gene: SMARCA4 (SWI/SNF related BAF chromatin remodeling complex subunit ATPase 4; plus strand). Cytogenetic location: 19p13.2.
Variant type: single nucleotide variant.
Coding change: c.591C>T on transcript NM_003072.5 (MANE Select); coding-DNA position 591, C replaced by T.
Protein change: p.Pro197=; no amino-acid change (proline 197 retained).
Molecular consequence: synonymous variant. On other transcripts: non-coding transcript variant (1).
Genome position (GRCh38, 1-based): chr19:10,986,424, C>T. VCF-style: chr19-10986424-C-T. GRCh37 (hg19) VCF-style: chr19-11097100-C-T.
Other names: c.591C>T, p.Pro197= (NM_001128844.3, NM_001128845.2, NM_001128846.2 and 5 more transcripts).
Identifiers: ClinVar variation 470439 (VCV000470439.52), dbSNP rs572753619, ClinGen allele CA9203528.

ClinVar aggregate classification (germline): Benign/Likely benign. Review status: criteria provided, multiple submitters, no conflicts (2 of 4 stars). 7 submissions from 7 submitters: Benign (2); Likely benign (5). Last evaluated 2026-07-09.

Conditions:
Hereditary cancer-predisposing syndrome. Also called: Tumor predisposition; Neoplastic Syndromes, Hereditary; Hereditary Cancer Syndrome; Hereditary neoplastic syndrome. Identifiers: Orphanet 140162, MedGen C0027672, MeSH D009386, MONDO:0015356.
Rhabdoid tumor predisposition syndrome 2 (RTPS2). Identifiers: Orphanet 231108, Orphanet 69077, MedGen C2750074, MONDO:0013224, OMIM 613325.

Allele frequency attached by ClinVar (database versions not stated): gnomAD exomes 0.00006; 1000 Genomes Project 0.00040; 1000 Genomes Project 30x 0.00047; ExAC 0.00016.
gnomAD v4.1: 67 of 1,575,614 alleles (0.0043%); highest among the groups gnomAD compares: East Asian, 0.016%; no homozygotes.

Submissions (7):

Myriad Genetics, Inc.
Classification: Benign for Rhabdoid tumor predisposition syndrome 2. Last evaluated: 2026-07-09. Review status: criteria provided, single submitter. Criteria: Myriad Autosomal Dominant, Autosomal Recessive and X-Linked Classification Criteria (2023). Collection method: clinical testing. Allele origin: unknown.
Comment: This variant is considered benign. This variant is a silent/synonymous amino acid change and it is not expected to impact splicing.

Labcorp Genetics (formerly Invitae), Labcorp
Classification: Likely benign for Rhabdoid tumor predisposition syndrome 2. Last evaluated: 2026-01-20. Review status: criteria provided, single submitter. Criteria: Invitae Variant Classification Sherloc (09022015). Collection method: clinical testing. Allele origin: germline.

CeGaT Center for Human Genetics Tuebingen
Classification: Likely benign. Last evaluated: 2025-08-01. Review status: criteria provided, single submitter. Criteria: CeGaT Center For Human Genetics Tuebingen Variant Classification Criteria Version 2. Collection method: clinical testing. Allele origin: germline. Affected: yes. Observed: 2 variant alleles.
Comment: SMARCA4: BP4, BP7

Quest Diagnostics Nichols Institute San Juan Capistrano
Classification: Benign. Last evaluated: 2022-12-27. Review status: criteria provided, single submitter. Criteria: Quest Diagnostics criteria. Collection method: clinical testing. Allele origin: unknown.

Blueprint Genetics
Classification: Likely benign. Last evaluated: 2022-08-01. Review status: criteria provided, single submitter. Criteria: ACMG Guidelines, 2015. Collection method: clinical testing. Allele origin: germline.

Sema4
Classification: Likely benign for Hereditary cancer-predisposing syndrome. Last evaluated: 2021-08-10. Review status: criteria provided, single submitter. Criteria: Sema4 Curation Guidelines. Collection method: curation. Allele origin: germline.

Ambry Genetics
Classification: Likely benign for Hereditary cancer-predisposing syndrome. Last evaluated: 2015-09-13. Review status: criteria provided, single submitter. Criteria: Ambry Variant Classification Scheme 2023. Collection method: clinical testing. Allele origin: germline.